The following is an entry in ClinVar:

ClinVar aggregate classification (germline): Uncertain significance. Review status: criteria provided, multiple submitters, no conflicts (2 of 4 stars). 2 submissions from 2 submitters: Uncertain significance (2). Last evaluated 2025-12-15.

Conditions:
Bloom syndrome (BLM). Also called: Bloom-Torre-Machacek syndrome. Identifiers: Orphanet 125, MedGen C0005859, MONDO:0008876, OMIM 210900.
Hereditary cancer-predisposing syndrome. Also called: Hereditary Cancer Syndrome; Neoplastic Syndromes, Hereditary; Tumor predisposition; Hereditary neoplastic syndrome. Identifiers: Orphanet 140162, MedGen C0027672, MeSH D009386, MONDO:0015356.

Submissions (2):

Ambry Genetics
Classification: Uncertain significance for Hereditary cancer-predisposing syndrome. Last evaluated: 2025-12-15. Review status: criteria provided, single submitter. Criteria: Ambry Variant Classification Scheme 2023. Collection method: clinical testing. Allele origin: germline.
Comment: The p.F487L variant (also known as c.1461T>G), located in coding exon 6 of the BLM gene, results from a T to G substitution at nucleotide position 1461. The phenylalanine at codon 487 is replaced by leucine, an amino acid with highly similar properties. This amino acid position is conserved. In addition, this alteration is predicted to be tolerated by in silico analysis. Based on the available evidence, the clinical significance of this variant remains unclear.

Labcorp Genetics (formerly Invitae), Labcorp
Classification: Uncertain significance for Bloom syndrome. Last evaluated: 2024-02-06. Review status: criteria provided, single submitter. Criteria: Invitae Variant Classification Sherloc (09022015). Collection method: clinical testing. Allele origin: germline.
Comment: This sequence change replaces phenylalanine, which is neutral and non-polar, with leucine, which is neutral and non-polar, at codon 487 of the BLM protein (p.Phe487Leu). This variant is not present in population databases (gnomAD no frequency). This variant has not been reported in the literature in individuals affected with BLM-related conditions. Advanced modeling of protein sequence and biophysical properties (such as structural, functional, and spatial information, amino acid conservation, physicochemical variation, residue mobility, and thermodynamic stability) performed at Invitae indicates that this missense variant is not expected to disrupt BLM protein function with a negative predictive value of 80%. In summary, the available evidence is currently insufficient to determine the role of this variant in disease. Therefore, it has been classified as a Variant of Uncertain Significance.

NM_000057.4(BLM):c.1461T>G (p.Phe487Leu)

Gene: BLM (BLM RecQ like helicase; plus strand). Cytogenetic location: 15q26.1.
Variant type: single nucleotide variant.
Coding change: c.1461T>G on transcript NM_000057.4 (MANE Select); coding-DNA position 1461, T replaced by G.
Protein change: p.Phe487Leu; replaces phenylalanine 487 with leucine.
Molecular consequence: missense variant.
Genome position (GRCh38, 1-based): chr15:90,760,834, T>G. VCF-style: chr15-90760834-T-G. GRCh37 (hg19) VCF-style: chr15-91304064-T-G.
Other names: c.1461T>G, p.Phe487Leu (NM_001287246.2, NM_001287247.2); c.336T>G, p.Phe112Leu (NM_001287248.2); short protein forms F112L, F487L.
Identifiers: ClinVar variation 3639207 (VCV003639207.3).
Genomic context (GRCh38, chr15:90,760,834, plus strand): 5'-CTGTTTACTGACTACCACCCTAGGAAAGACAGGATTCTCTGCCACCAGGAAGAATCTTTT[T>G]GAAAGGCCTTTATTCAATACCCATTTACAGAAGTCCTTTGTAAGTAGCAACTGGGCTGAA-3'
Protein context (NP_000048.1, residues 477-497): TGFSATRKNL[Phe487Leu]ERPLFNTHLQ